The following is an entry in ClinVar:

NM_001164508.2(NEB):c.25007T>C (p.Val8336Ala)

Genes: NEB (nebulin; minus strand), RIF1 (replication timing regulatory factor 1; plus strand). Cytogenetic location: 2q23.3.
Variant type: single nucleotide variant.
Coding change: c.25007T>C on transcript NM_001164508.2 (MANE Select); coding-DNA position 25007, T replaced by C.
Protein change: p.Val8336Ala; replaces valine 8336 with alanine.
Molecular consequence: missense variant.
Genome position (GRCh38, 1-based): chr2:151,492,148, A>G on the plus strand (T>C on the coding strand, the complement: NEB is on the minus strand). VCF-style: chr2-151492148-A-G. GRCh37 (hg19) VCF-style: chr2-152348662-A-G.
Other names: c.25007T>C, p.Val8336Ala (NM_001164507.2); c.25112T>C, p.Val8371Ala (NM_001271208.2); c.19439T>C, p.Val6480Ala (NM_004543.5); short protein forms V6480A, V8336A, V8371A.
Identifiers: ClinVar variation 663153 (VCV000663153.5), dbSNP rs1574651626, ClinGen allele CA348773414.
Genomic context (GRCh38, chr2:151,492,148, plus strand): 5'-GCTCAGTTACCTGTAATAGTCTCCTGATCTTGGTCATTCCGTTTTTGTTCCATTTCTACC[A>G]CTTTCCTCTGAATACCTCGGTAGTTAATGTCACTGAAGTCCTGCATGTTCTTCTTTACTC-3'
Protein context (NP_001157980.2, residues 8326-8346): DINYRGIQRK[Val8336Ala]VEMEQKRNDQ

ClinVar aggregate classification (germline): Uncertain significance. Review status: criteria provided, single submitter (1 of 4 stars). 2 submissions from 2 submitters: Uncertain significance (1). 1 of the submissions does not count toward it. Last evaluated 2021-09-28.

Conditions:
Nemaline myopathy 2 (NEM2). Also called: Nemaline myopathy 2, autosomal recessive. Identifiers: MedGen C1850569, MONDO:0009725, OMIM 256030.

Allele frequency attached by ClinVar (database versions not stated): gnomAD exomes below 0.00001; TOPMed below 0.00001.
gnomAD v4.1: 1 of 1,613,684 alleles (0.000062%); highest among the groups gnomAD compares: Non-Finnish European, 0.000085%; no homozygotes.

Submissions (2):

Labcorp Genetics (formerly Invitae), Labcorp
Classification: Uncertain significance for Nemaline myopathy 2. Last evaluated: 2021-09-28. Review status: criteria provided, single submitter. Criteria: Invitae Variant Classification Sherloc (09022015). Collection method: clinical testing. Allele origin: germline.
Comment: This sequence change replaces valine with alanine at codon 8371 of the NEB protein (p.Val8371Ala). The valine residue is weakly conserved and there is a small physicochemical difference between valine and alanine. This variant is not present in population databases (ExAC no frequency). This variant has not been reported in the literature in individuals affected with NEB-related conditions. Algorithms developed to predict the effect of missense changes on protein structure and function are either unavailable or do not agree on the potential impact of this missense change (SIFT: "Deleterious"; PolyPhen-2: "Not Available"; Align-GVGD: "Class C0"). In summary, the available evidence is currently insufficient to determine the role of this variant in disease. Therefore, it has been classified as a Variant of Uncertain Significance.

Natera, Inc.
Classification: Uncertain significance for Nemaline myopathy type 2. Last evaluated: 2025-05-08. Review status: no assertion criteria provided. Collection method: clinical testing. Allele origin: germline. Not counted in ClinVar's aggregate classification.